The following is an entry in ClinVar:

NM_000233.4(LHCGR):c.81G>A (p.Glu27=)

Genes: LHCGR (luteinizing hormone/choriogonadotropin receptor; minus strand), STON1-GTF2A1L (STON1-GTF2A1L readthrough; plus strand). Cytogenetic location: 2p16.3.
Variant type: single nucleotide variant.
Coding change: c.81G>A on transcript NM_000233.4 (MANE Select); coding-DNA position 81, G replaced by A.
Protein change: p.Glu27=; no amino-acid change (glutamic acid 27 retained).
Molecular consequence: synonymous variant. On other transcripts: intron variant (1).
Genome position (GRCh38, 1-based): chr2:48,755,591, C>T on the plus strand (G>A on the coding strand, the complement: LHCGR is on the minus strand). VCF-style: chr2-48755591-C-T. GRCh37 (hg19) VCF-style: chr2-48982730-C-T.
Other names: c.3442-20689C>T (NM_001198593.2).
Identifiers: ClinVar variation 336470 (VCV000336470.9), dbSNP rs527550554, ClinGen allele CA1653488.

ClinVar aggregate classification (germline): Conflicting classifications of pathogenicity. Review status: criteria provided, conflicting classifications (1 of 4 stars). 4 submissions from 4 submitters: Uncertain significance (1); Likely benign (3). Last evaluated 2026-07-24.

Conditions:
LHCGR-related disorder. Also called: LHCGR-related condition.
Gonadotropin-independent familial sexual precocity. Also called: TESTOTOXICOSIS, FAMILIAL; Familial male-limited precocious puberty. Identifiers: Orphanet 3000, MedGen C0342549, MONDO:0008303, OMIM 176410.

Allele frequency attached by ClinVar (database versions not stated): gnomAD 0.00002 and 0.00004; gnomAD exomes 0.00003 and 0.00004; TOPMed 0.00004; ExAC 0.00008; 1000 Genomes Project 30x 0.00016; 1000 Genomes Project 0.00040.
gnomAD v4.1: 50 of 1,538,478 alleles (0.0032%); highest among the groups gnomAD compares: Middle Eastern, 0.28%; 1 homozygote.

Submissions (4):

PreventionGenetics, part of Exact Sciences
Classification: Likely benign for LHCGR-related condition. Last evaluated: 2026-07-24. Review status: criteria provided, single submitter. Criteria: ACMG Guidelines, 2015. Collection method: clinical testing. Allele origin: germline.
Comment: This variant is classified as likely benign based on ACMG/AMP sequence variant interpretation guidelines (Richards et al. 2015 PMID: 25741868, with internal and published modifications).

Labcorp Genetics (formerly Invitae), Labcorp
Classification: Likely benign. Last evaluated: 2025-07-13. Review status: criteria provided, single submitter. Criteria: Invitae Variant Classification Sherloc (09022015). Collection method: clinical testing. Allele origin: germline.

Blueprint Genetics
Classification: Likely benign. Last evaluated: 2024-08-09. Review status: criteria provided, single submitter. Criteria: ACMG Guidelines, 2015. Collection method: clinical testing. Allele origin: germline.

Illumina Laboratory Services, Illumina
Classification: Uncertain significance for Gonadotropin-independent familial sexual precocity. Last evaluated: 2018-01-13. Review status: criteria provided, single submitter. Criteria: ICSL Variant Classification Criteria 13 December 2019. Collection method: clinical testing. Allele origin: germline.